The following is an entry in ClinVar:

GRCh38/hg38 11q25(chr11:134232099-134998513)x1

Genes: ACAD8 (acyl-CoA dehydrogenase family member 8; plus strand), B3GAT1 (beta-1,3-glucuronyltransferase 1; minus strand), B3GAT1-DT (B3GAT1 divergent transcript; plus strand), GLB1L2 (galactosidase beta 1 like 2; plus strand), GLB1L3 (galactosidase beta 1 like 3; plus strand) and 23 more. Cytogenetic location: 11q25.
Variant type: copy number loss.
Change: copy number 1 (one copy instead of two) of chr11:134,232,099-134,998,513 (766.4 kb, GRCh38 coordinates, 1-based), cytogenetic band 11q25.
Identifiers: ClinVar variation 57259 (VCV000057259.1).

ClinVar aggregate classification (germline): Pathogenic (1 of 4 stars; one submission).

Submission:

ISCA site 4
Classification: Pathogenic. Last evaluated: 2011-08-12. Review status: criteria provided, single submitter. Criteria: Kaminsky et al. (Genet Med. 2011). Collection method: clinical testing. Allele origin: unknown. Affected: yes. Observed: 1 variant allele.
Comment: Copy number variation identified through the course of routine clinical cytogenomic testing in postnatal populations. Clinical assertions have been curated as described in Kaminsky et al. 2011.